The following is an entry in ClinVar:

NM_000744.7(CHRNA4):c.335G>A (p.Arg112His)

Genes: CHRNA4 (cholinergic receptor nicotinic alpha 4 subunit; minus strand), LOC126863087 (P300/CBP strongly-dependent group 1 enhancer GRCh37_chr20:61986832-61988031; plus strand). Cytogenetic location: 20q13.33.
Variant type: single nucleotide variant.
Coding change: c.335G>A on transcript NM_000744.7 (MANE Select); coding-DNA position 335, G replaced by A.
Protein change: p.Arg112His; replaces arginine 112 with histidine.
Molecular consequence: missense variant. On other transcripts: 5 prime UTR variant (1), non-coding transcript variant (1).
Genome position (GRCh38, 1-based): chr20:63,356,023, C>T on the plus strand (G>A on the coding strand, the complement: CHRNA4 is on the minus strand). VCF-style: chr20-63356023-C-T. GRCh37 (hg19) VCF-style: chr20-61987375-C-T.
Other names: c.-212G>A (NM_001256573.2); short protein forms R112H.
Identifiers: ClinVar variation 2752874 (VCV002752874.3), dbSNP rs1208475063, ClinGen allele CA409641218.

ClinVar aggregate classification (germline): Uncertain significance (1 of 4 stars; one submission).

Conditions:
Familial sleep-related hypermotor epilepsy. Also called: Autosomal Dominant Sleep-Related Hypermotor (Hyperkinetic) Epilepsy. Identifiers: Orphanet 98784, MedGen C3696898, MONDO:0000030.

Allele frequency attached by ClinVar (database versions not stated): gnomAD exomes below 0.00001.

Submission:

Labcorp Genetics (formerly Invitae), Labcorp
Classification: Uncertain significance. Last evaluated: 2023-08-10. Review status: criteria provided, single submitter. Criteria: Invitae Variant Classification Sherloc (09022015). Collection method: clinical testing. Allele origin: germline.
Comment: In summary, the available evidence is currently insufficient to determine the role of this variant in disease. Therefore, it has been classified as a Variant of Uncertain Significance. This sequence change replaces arginine, which is basic and polar, with histidine, which is basic and polar, at codon 112 of the CHRNA4 protein (p.Arg112His). This variant is not present in population databases (gnomAD no frequency). This variant has not been reported in the literature in individuals affected with CHRNA4-related conditions. Advanced modeling of protein sequence and biophysical properties (such as structural, functional, and spatial information, amino acid conservation, physicochemical variation, residue mobility, and thermodynamic stability) performed at Invitae indicates that this missense variant is not expected to disrupt CHRNA4 protein function.